The following is an entry in ClinVar:

NM_001930.4(DHPS):c.264C>G (p.Thr88=)

Gene: DHPS (deoxyhypusine synthase; minus strand). Cytogenetic location: 19p13.13.
Variant type: single nucleotide variant.
Coding change: c.264C>G on transcript NM_001930.4 (MANE Select); coding-DNA position 264, C replaced by G.
Protein change: p.Thr88=; no amino-acid change (threonine 88 retained).
Molecular consequence: synonymous variant. On other transcripts: 5 prime UTR variant (1), non-coding transcript variant (4).
Genome position (GRCh38, 1-based): chr19:12,680,269, G>C on the plus strand (C>G on the coding strand, the complement: DHPS is on the minus strand). VCF-style: chr19-12680269-G-C. GRCh37 (hg19) VCF-style: chr19-12791083-G-C.
Other names: c.138C>G, p.Thr46= (NM_001206974.2); c.264C>G, p.Thr88= (NM_001369691.1, NM_001369692.1, NM_013406.3); c.-251C>G (NM_001369693.1).
Identifiers: ClinVar variation 3898173 (VCV003898173.8).

ClinVar aggregate classification (germline): Likely benign. Review status: criteria provided, multiple submitters, no conflicts (2 of 4 stars). 2 submissions from 2 submitters: Likely benign (2). Last evaluated 2025-04-01.

Submissions (2):

CeGaT Center for Human Genetics Tuebingen
Classification: Likely benign. Last evaluated: 2025-04-01. Review status: criteria provided, single submitter. Criteria: CeGaT Center For Human Genetics Tuebingen Variant Classification Criteria Version 2. Collection method: clinical testing. Allele origin: germline. Affected: yes. Observed: 1 variant allele.
Comment: DHPS: BP4, BP7

Blueprint Genetics
Classification: Likely benign. Last evaluated: 2024-11-06. Review status: criteria provided, single submitter. Criteria: ACMG Guidelines, 2015. Collection method: clinical testing. Allele origin: germline.